The following is an entry in ClinVar:

NM_000814.6(GABRB3):c.1078C>T (p.Arg360Trp)

Gene: GABRB3 (gamma-aminobutyric acid type A receptor subunit beta3; minus strand). Cytogenetic location: 15q12.
Variant type: single nucleotide variant.
Coding change: c.1078C>T on transcript NM_000814.6 (MANE Select); coding-DNA position 1078, C replaced by T.
Protein change: p.Arg360Trp; replaces arginine 360 with tryptophan.
Molecular consequence: missense variant.
Genome position (GRCh38, 1-based): chr15:26,560,934, G>A on the plus strand (C>T on the coding strand, the complement: GABRB3 is on the minus strand). VCF-style: chr15-26560934-G-A. GRCh37 (hg19) VCF-style: chr15-26806081-G-A.
Other names: c.823C>T, p.Arg275Trp (NM_001191320.2, NM_001278631.2); c.865C>T, p.Arg289Trp (NM_001191321.3); c.1078C>T, p.Arg360Trp (NM_021912.5); short protein forms R360W, R275W, R289W.
Identifiers: ClinVar variation 469571 (VCV000469571.12), dbSNP rs771568810, ClinGen allele CA7437319.
Genomic context (GRCh38, chr15:26,560,934, plus strand): 5'-AATGCAGTAGCTGCTGAGCTGCAGGGACCAGGTGGGGTCAAGGTGGTGGAGAGCCTACCC[G>A]GTTGCTTTCGCTCTTTGAACGGTCATTCTTTGCCTTGGCTGTCTTTTCTGCAAGCTTCTT-3'
Protein context (NP_000805.1, residues 350-370): KNDRSKSESN[Arg360Trp]VDAHGNILLT

ClinVar aggregate classification (germline): Conflicting classifications of pathogenicity. Review status: criteria provided, conflicting classifications (1 of 4 stars). 4 submissions from 4 submitters: Uncertain significance (3); Likely benign (1). Last evaluated 2026-01-05.

Conditions:
Epilepsy, childhood absence, susceptibility to, 1. Also called: Epilepsy, childhood absence 1. Identifiers: Orphanet 64280, MedGen C1838604, MONDO:0020759, OMIM 600131.
Epilepsy, childhood absence, susceptibility to, 5. Identifiers: Orphanet 64280, MedGen C2677087, MONDO:0012843, OMIM 612269.
Inborn genetic diseases. Identifiers: MedGen C0950123, MeSH D030342.

Allele frequency attached by ClinVar (database versions not stated): gnomAD 0.00001; gnomAD exomes 0.00001 and 0.00002; TOPMed 0.00002; ExAC 0.00003.
gnomAD v4.1: 17 of 1,613,656 alleles (0.0011%); highest among the groups gnomAD compares: Admixed American, 0.005%; no homozygotes.

Submissions (4):

Labcorp Genetics (formerly Invitae), Labcorp
Classification: Uncertain significance for Epilepsy, childhood absence, susceptibility to, 5; Epilepsy, childhood absence, susceptibility to, 1. Last evaluated: 2026-01-05. Review status: criteria provided, single submitter. Criteria: Invitae Variant Classification Sherloc (09022015). Collection method: clinical testing. Allele origin: germline.
Comment: This sequence change replaces arginine, which is basic and polar, with tryptophan, which is neutral and slightly polar, at codon 360 of the GABRB3 protein (p.Arg360Trp). This variant is present in population databases (rs771568810, gnomAD 0.007%). This variant has not been reported in the literature in individuals affected with GABRB3-related conditions. ClinVar contains an entry for this variant (Variation ID: 469571). Invitae Evidence Modeling of protein sequence and biophysical properties (such as structural, functional, and spatial information, amino acid conservation, physicochemical variation, residue mobility, and thermodynamic stability) has been performed for this missense variant. However, the output from this modeling did not meet the statistical confidence thresholds required to predict the impact of this variant on GABRB3 protein function. In summary, the available evidence is currently insufficient to determine the role of this variant in disease. Therefore, it has been classified as a Variant of Uncertain Significance.

Ambry Genetics
Classification: Likely benign for Inborn genetic diseases. Last evaluated: 2024-04-23. Review status: criteria provided, single submitter. Criteria: Ambry Variant Classification Scheme 2023. Collection method: clinical testing. Allele origin: germline.

Women's Health and Genetics/Laboratory Corporation of America, LabCorp
Classification: Uncertain significance. Last evaluated: 2023-07-03. Review status: criteria provided, single submitter. Criteria: LabCorp Variant Classification Summary - May 2015. Collection method: clinical testing. Allele origin: germline.
Comment: Variant summary: GABRB3 c.1078C>T (p.Arg360Trp) results in a non-conservative amino acid change located in the transmembrane domain (IPR006029) of the encoded protein sequence. Four of five in-silico tools predict a damaging effect of the variant on protein function. In addition, this variant disrupts the third to last nucleotide of Exon 8, and therefore can affect splicing. Several computational tools predict a significant impact on normal splicing: four predict the variant weakens a 5' donor site, and one predicts the variant creates a 5' donor site. However, these predictions have yet to be confirmed by functional studies. The variant allele was found at a frequency of 2.4e-05 in 251482 control chromosomes (gnomAD). The available data on variant occurrences in the general population are insufficient to allow any conclusion about variant significance. To our knowledge, no occurrence of c.1078C>T in individuals affected with Developmental And Epileptic Encephalopathy, 43 and no experimental evidence demonstrating its impact on protein function have been reported. Two submitters have reported clinical-significance assessments for this variant to ClinVar after 2014. All submitters classified the variant as uncertain significance. Based on the evidence outlined above, the variant was classified as uncertain significance.

GeneDx
Classification: Uncertain significance. Last evaluated: 2019-06-28. Review status: criteria provided, single submitter. Criteria: GeneDx Variant Classification Process June 2021. Collection method: clinical testing. Allele origin: germline. Affected: yes.
Comment: In silico analysis, which includes protein predictors and evolutionary conservation, supports a deleterious effect; Has not been previously published as pathogenic or benign to our knowledge